The following is an entry in ClinVar:

NM_201384.3(PLEC):c.10356G>C (p.Gln3452His)

Gene: PLEC (plectin; minus strand). Cytogenetic location: 8q24.3.
Variant type: single nucleotide variant.
Coding change: c.10356G>C on transcript NM_201384.3 (MANE Select); coding-DNA position 10356, G replaced by C.
Protein change: p.Gln3452His; replaces glutamine 3452 with histidine.
Molecular consequence: missense variant.
Genome position (GRCh38, 1-based): chr8:143,919,465, C>G on the plus strand (G>C on the coding strand, the complement: PLEC is on the minus strand). VCF-style: chr8-143919465-C-G. GRCh37 (hg19) VCF-style: chr8-144993633-C-G.
Other names: c.10437G>C, p.Gln3479His (NM_000445.5); c.10314G>C, p.Gln3438His (NM_201378.4); c.10290G>C, p.Gln3430His (NM_201379.3); c.10767G>C, p.Gln3589His (NM_201380.4); c.10260G>C, p.Gln3420His (NM_201381.3); c.10356G>C, p.Gln3452His (NM_201382.4); c.10368G>C, p.Gln3456His (NM_201383.3); short protein forms Q3430H, Q3456H, Q3438H, Q3420H, Q3452H, Q3479H, Q3589H.
Identifiers: ClinVar variation 961127 (VCV000961127.12), dbSNP rs1840270863, ClinGen allele CA372499950.

ClinVar aggregate classification (germline): Uncertain significance. Review status: criteria provided, multiple submitters, no conflicts (2 of 4 stars). 2 submissions from 2 submitters: Uncertain significance (2). Last evaluated 2023-07-11.

Conditions:
Epidermolysis bullosa simplex 5B, with muscular dystrophy (EBS5B). Also called: Epidermolysis bullosa simplex with muscular dystrophy; EPIDERMOLYSIS BULLOSA SIMPLEX AND LIMB-GIRDLE MUSCULAR DYSTROPHY. Identifiers: Orphanet 257, MedGen C2931072, MONDO:0009181, OMIM 226670.
Epidermolysis bullosa simplex, Ogna type (EBS5A). Also called: Pidermolysis bullosa simplex 5A, Ogna type; EPIDERMOLYSIS BULLOSA SIMPLEX 5A, OGNA TYPE. Identifiers: Orphanet 79401, MedGen C0432317, MONDO:0007555, OMIM 131950.
Autosomal recessive limb-girdle muscular dystrophy type 2Q (LGMDR17). Also called: MUSCULAR DYSTROPHY, LIMB-GIRDLE, AUTOSOMAL RECESSIVE 17. Identifiers: Orphanet 254361, MedGen C3150989, MONDO:0013390, OMIM 613723.
Epidermolysis bullosa simplex with nail dystrophy (EBS5D). Identifiers: MedGen C4225309, MONDO:0014661, OMIM 616487.
Epidermolysis bullosa simplex 5C, with pyloric atresia (EBS5C). Also called: Epidermolysis bullosa simplex with pyloric atresia; PLEC-Related Epidermolysis Bullosa with Pyloric Atresia; PLEC1-Related Epidermolysis Bullosa with Pyloric Atresia. Identifiers: Orphanet 158684, MedGen C2677349, MONDO:0012807, OMIM 612138.

gnomAD v4.1: 1 of 1,613,292 alleles (0.000062%); highest among the groups gnomAD compares: African/African-American, 0.0013%; no homozygotes.

Submissions (2):

Revvity Omics, Revvity
Classification: Uncertain significance. Last evaluated: 2023-07-11. Review status: criteria provided, single submitter. Criteria: ACMG Guidelines, 2015. Collection method: clinical testing. Allele origin: germline.

Labcorp Genetics (formerly Invitae), Labcorp
Classification: Uncertain significance for Autosomal recessive limb-girdle muscular dystrophy type 2Q; Epidermolysis bullosa simplex, Ogna type; Epidermolysis bullosa simplex with nail dystrophy; Epidermolysis bullosa simplex 5C, with pyloric atresia; Epidermolysis bullosa simplex 5B, with muscular dystrophy. Last evaluated: 2019-10-03. Review status: criteria provided, single submitter. Criteria: Invitae Variant Classification Sherloc (09022015). Collection method: clinical testing. Allele origin: germline.
Comment: This sequence change replaces glutamine with histidine at codon 3479 of the PLEC protein (p.Gln3479His). The glutamine residue is weakly conserved and there is a small physicochemical difference between glutamine and histidine. This variant is not present in population databases (ExAC no frequency). This variant has not been reported in the literature in individuals with PLEC-related conditions. Algorithms developed to predict the effect of missense changes on protein structure and function are either unavailable or do not agree on the potential impact of this missense change (SIFT: "Deleterious"; PolyPhen-2: "Probably Damaging"; Align-GVGD: "Class C0"). In summary, the available evidence is currently insufficient to determine the role of this variant in disease. Therefore, it has been classified as a Variant of Uncertain Significance.